The following is an entry in ClinVar:

NM_002691.4(POLD1):c.406T>C (p.Ser136Pro)

Gene: POLD1 (DNA polymerase delta 1, catalytic subunit; plus strand). Cytogenetic location: 19q13.33.
Variant type: single nucleotide variant.
Coding change: c.406T>C on transcript NM_002691.4 (MANE Select); coding-DNA position 406, T replaced by C.
Protein change: p.Ser136Pro; replaces serine 136 with proline.
Molecular consequence: missense variant. On other transcripts: non-coding transcript variant (1).
Genome position (GRCh38, 1-based): chr19:50,401,867, T>C. VCF-style: chr19-50401867-T-C. GRCh37 (hg19) VCF-style: chr19-50905124-T-C.
Other names: c.406T>C, p.Ser136Pro (NM_001256849.1, NM_001308632.1); short protein forms S136P.
Identifiers: ClinVar variation 2563164 (VCV002563164.3), dbSNP rs2513956103, ClinGen allele CA406972499.
Genomic context (GRCh38, chr19:50,401,867, plus strand): 5'-CCACCATCCCGCGGCTCCGTGCCTGTGCTCCGCGCCTTCGGGGTCACCGATGAGGGGTTC[T>C]CTGTCTGCTGCCACATCCACGGCTTCGCTCCCTACTTCTACACCCCAGCGCCCCCTGGTG-3'
Protein context (NP_002682.2, residues 126-146): RAFGVTDEGF[Ser136Pro]VCCHIHGFAP

ClinVar aggregate classification (germline): Uncertain significance (1 of 4 stars; one submission).

Conditions:
Hereditary cancer-predisposing syndrome. Also called: Neoplastic Syndromes, Hereditary; Hereditary Cancer Syndrome; Hereditary neoplastic syndrome; Tumor predisposition. Identifiers: Orphanet 140162, MedGen C0027672, MeSH D009386, MONDO:0015356.

Allele frequency attached by ClinVar (database versions not stated): gnomAD exomes below 0.00001.
gnomAD v4.1: 1 of 1,614,046 alleles (0.000062%); highest among the groups gnomAD compares: Non-Finnish European, 0.000085%; no homozygotes.

Submission:

Ambry Genetics
Classification: Uncertain significance for Hereditary cancer-predisposing syndrome. Last evaluated: 2025-08-08. Review status: criteria provided, single submitter. Criteria: Ambry Variant Classification Scheme 2023. Collection method: clinical testing. Allele origin: germline.
Comment: The p.S136P variant (also known as c.406T>C), located in coding exon 3 of the POLD1 gene, results from a T to C substitution at nucleotide position 406. The serine at codon 136 is replaced by proline, an amino acid with similar properties. This amino acid position is conserved. In addition, the in silico prediction for this alteration is inconclusive. Since supporting evidence is limited at this time, the clinical significance of this alteration remains unclear.